The following is an entry in ClinVar:

NM_002578.5(PAK3):c.531G>A (p.Glu177=)

Gene: PAK3 (p21 (RAC1) activated kinase 3; plus strand). Cytogenetic location: Xq23.
Variant type: single nucleotide variant.
Coding change: c.531G>A on transcript NM_002578.5 (MANE Select); coding-DNA position 531, G replaced by A.
Protein change: p.Glu177=; no amino-acid change (glutamic acid 177 retained).
Molecular consequence: synonymous variant. On other transcripts: non-coding transcript variant (2).
Genome position (GRCh38, 1-based): chrX:111,162,977, G>A. VCF-style: chrX-111162977-G-A. GRCh37 (hg19) VCF-style: chrX-110406205-G-A.
Other names: p.Glu177=; c.531G>A, p.Glu177= (NM_001128166.3, NM_001128167.3, NM_001324325.2 and 5 more transcripts); c.639G>A, p.Glu213= (NM_001128168.3); c.594G>A, p.Glu198= (NM_001128172.2); c.576G>A, p.Glu192= (NM_001128173.3, NM_001324327.2, NM_001324328.2 and 2 more transcripts).
Identifiers: ClinVar variation 211837 (VCV000211837.22), dbSNP rs56270341, ClinGen allele CA209790.
Genomic context (GRCh38, chrX:111,162,977, plus strand): 5'-TACAAAAACAGCATCTGAGCCTCCATTGGCCCCTCCTGTGTCTGAAGAAGAAGATGAAGA[G>A]GAAGAAGAAGAAGAAGATGAAAATGAGCCACCACCAGTTATCGCACCAAGACCAGAGCAT-3'
Protein context (NP_002569.1, residues 167-187): APPVSEEEDE[Glu177=]EEEEEDENEP

ClinVar aggregate classification (germline): Benign/Likely benign. Review status: criteria provided, multiple submitters, no conflicts (2 of 4 stars). 7 submissions from 7 submitters: Benign (5); Likely benign (2). Last evaluated 2026-01-16.

Conditions:
History of neurodevelopmental disorder. Identifiers: MedGen C2711754.
Intellectual developmental disorder, X-linked 30. Also called: Intellectual disability, X-linked 30; MENTAL RETARDATION, X-LINKED 47. Identifiers: Orphanet 777, MedGen C0796237, MONDO:0010361, OMIM 300558.

Allele frequency attached by ClinVar (database versions not stated): ExAC 0.00175; TOPMed 0.00211; 1000 Genomes Project 0.00212; ESP Exome Variant Server 0.00218; gnomAD exomes 0.00237 and 0.00338; gnomAD 0.00239 and 0.00241.
gnomAD v4.1: 3,930 of 1,201,610 alleles (0.33%); highest among the groups gnomAD compares: Non-Finnish European, 0.4%; 6 homozygotes.

Submissions (7):

Labcorp Genetics (formerly Invitae), Labcorp
Classification: Benign. Last evaluated: 2026-01-16. Review status: criteria provided, single submitter. Criteria: Invitae Variant Classification Sherloc (09022015). Collection method: clinical testing. Allele origin: germline.

Blueprint Genetics
Classification: Likely benign. Last evaluated: 2024-11-26. Review status: criteria provided, single submitter. Criteria: ACMG Guidelines, 2015. Collection method: clinical testing. Allele origin: germline.

Mayo Clinic Laboratories, Mayo Clinic
Classification: Benign. Last evaluated: 2022-06-13. Review status: criteria provided, single submitter. Criteria: ACMG Guidelines, 2015. Collection method: clinical testing. Allele origin: germline. Observed: 4 variant alleles.
Comment: BS1, BS2, BP4, BP7

Illumina Laboratory Services, Illumina
Classification: Benign for Intellectual developmental disorder, X-linked 30. Last evaluated: 2018-01-13. Review status: criteria provided, single submitter. Criteria: ICSL Variant Classification Criteria 13 December 2019. Collection method: clinical testing. Allele origin: germline.
Comment: This variant was observed in the ICSL laboratory as part of a predisposition screen in an ostensibly healthy population. It had not been previously curated by ICSL or reported in the Human Gene Mutation Database (HGMD: prior to June 1st, 2018), and was therefore a candidate for classification through an automated scoring system. Utilizing variant allele frequency, disease prevalence and penetrance estimates, and inheritance mode, an automated score was calculated to assess if this variant is too frequent to cause the disease. Based on the score and internal cut-off values, a variant classified as benign is not then subjected to further curation. The score for this variant resulted in a classification of benign for this disease.

Athena Diagnostics
Classification: Likely benign. Last evaluated: 2017-11-16. Review status: criteria provided, single submitter. Criteria: Athena Diagnostics Criteria. Collection method: clinical testing. Allele origin: germline.

Genetic Services Laboratory, University of Chicago
Classification: Benign. Last evaluated: 2017-07-06. Review status: criteria provided, single submitter. Criteria: ACMG Guidelines, 2015. Collection method: clinical testing. Allele origin: germline. Affected: no.

Ambry Genetics
Classification: Benign for History of neurodevelopmental disorder. Last evaluated: 2016-07-28. Review status: criteria provided, single submitter. Criteria: Ambry Autosomal Dominant and X-Linked criteria (10/2015). Collection method: clinical testing. Allele origin: germline. Observed: 1 variant allele.